The following is an entry in ClinVar:

NM_000264.5(PTCH1):c.1215+10C>T

Gene: PTCH1 (patched 1; minus strand). Cytogenetic location: 9q22.32.
Variant type: single nucleotide variant.
Coding change: c.1215+10C>T on transcript NM_000264.5 (MANE Select); 10 bases into the intron after coding-DNA position 1215, C replaced by T.
Molecular consequence: intron variant.
Genome position (GRCh38, 1-based): chr9:95,478,990, G>A on the plus strand (C>T on the coding strand, the complement: PTCH1 is on the minus strand). VCF-style: chr9-95478990-G-A. GRCh37 (hg19) VCF-style: chr9-98241272-G-A.
Other names: c.1212+10C>T (NM_001083603.3); c.1017+10C>T (NM_001083602.3); c.1215+10C>T (NM_001354918.2, NM_000264.4); c.762+10C>T (NM_001083605.3, NM_001083604.3, NM_001083606.3 and 1 more transcripts).
Identifiers: ClinVar variation 1106982 (VCV001106982.10), dbSNP rs1444052168, ClinGen allele CA589267219.

ClinVar aggregate classification (germline): Conflicting classifications of pathogenicity. Review status: criteria provided, conflicting classifications (1 of 4 stars). 2 submissions from 2 submitters: Uncertain significance (1); Likely benign (1). Last evaluated 2025-10-15.

Conditions:
Gorlin syndrome. Also called: Basal cell nevus syndrome; Nevoid Basal Cell Carcinoma Syndrome. Identifiers: Orphanet 377, MedGen C0004779, MONDO:0007187.

Allele frequency attached by ClinVar (database versions not stated): gnomAD exomes below 0.00001; gnomAD 0.00001.
gnomAD v4.1: 2 of 1,614,092 alleles (0.00012%); highest among the groups gnomAD compares: Admixed American, 0.0017%; no homozygotes.

Submissions (2):

Quest Diagnostics Nichols Institute San Juan Capistrano
Classification: Uncertain significance. Last evaluated: 2025-10-15. Review status: criteria provided, single submitter. Criteria: Quest Diagnostics criteria. Collection method: clinical testing. Allele origin: unknown.
Comment: The PTCH1 c.1215+10C>T variant has not been reported in individuals with PTCH1-related conditions in the published literature. The frequency of this variant in the general population (Genome Aggregation Database) is uninformative in the assessment of its pathogenicity. Analysis of this variant using software algorithms for the prediction of the effect of nucleotide changes on splicing yielded predictions that this variant does not affect PTCH1 mRNA splicing. Based on the available information, we are unable to determine the clinical significance of this variant.

Labcorp Genetics (formerly Invitae), Labcorp
Classification: Likely benign for Gorlin syndrome. Last evaluated: 2024-12-23. Review status: criteria provided, single submitter. Criteria: Invitae Variant Classification Sherloc (09022015). Collection method: clinical testing. Allele origin: germline.